The following is an entry in ClinVar:

ClinVar aggregate classification (germline): Uncertain significance (1 of 4 stars; one submission).

Submission:

GeneDx
Classification: Uncertain significance. Last evaluated: 2021-04-26. Review status: criteria provided, single submitter. Criteria: GeneDx Variant Classification Process June 2021. Collection method: clinical testing. Allele origin: germline. Affected: yes.
Comment: Not observed in large population cohorts (Lek et al., 2016); In silico analysis supports that this missense variant has a deleterious effect on protein structure/function; Has not been previously published as pathogenic or benign to our knowledge

NM_001854.4(COL11A1):c.1550A>C (p.Gln517Pro)

Gene: COL11A1 (collagen type XI alpha 1 chain; minus strand). Cytogenetic location: 1p21.1.
Variant type: single nucleotide variant.
Coding change: c.1550A>C on transcript NM_001854.4 (MANE Select); coding-DNA position 1550, A replaced by C.
Protein change: p.Gln517Pro; replaces glutamine 517 with proline.
Molecular consequence: missense variant. On other transcripts: non-coding transcript variant (1).
Genome position (GRCh38, 1-based): chr1:103,014,533, T>G on the plus strand (A>C on the coding strand, the complement: COL11A1 is on the minus strand). VCF-style: chr1-103014533-T-G. GRCh37 (hg19) VCF-style: chr1-103480089-T-G.
Other names: c.1433A>C, p.Gln478Pro (NM_001190709.2); c.1586A>C, p.Gln529Pro (NM_080629.3); c.1202A>C, p.Gln401Pro (NM_080630.4); short protein forms Q401P, Q478P, Q517P, Q529P.
Identifiers: ClinVar variation 1321653 (VCV001321653.2), dbSNP rs2101899405, ClinGen allele CA341179064.
Genomic context (GRCh38, chr1:103,014,533, plus strand): 5'-CAGTCATCTTGTGGGAATGCAAGTTTATCCTGTCTTACCCGAGCCTGCTGAAGAATAGCT[T>G]GAGCCTGAGCTTCCTGAGCAGAGATGGTTGGTCCTTTGGAACCATCACCACCATAACGGA-3'
Protein context (NP_001845.3, residues 507-527): PTISAQEAQA[Gln517Pro]AILQQARIAL